The following is an entry in ClinVar:

ClinVar aggregate classification (germline): Conflicting classifications of pathogenicity. Review status: criteria provided, conflicting classifications (1 of 4 stars). 3 submissions from 3 submitters: Uncertain significance (1); Likely benign (2). Last evaluated 2026-01-05.

Allele frequency attached by ClinVar (database versions not stated): TOPMed 0.00011; 1000 Genomes Project 30x 0.00016; 1000 Genomes Project 0.00020.
gnomAD v4.1: 65 of 1,614,222 alleles (0.004%); highest among the groups gnomAD compares: Admixed American, 0.083%; no homozygotes.

Submissions (3):

Labcorp Genetics (formerly Invitae), Labcorp
Classification: Likely benign. Last evaluated: 2026-01-05. Review status: criteria provided, single submitter. Criteria: Invitae Variant Classification Sherloc (09022015). Collection method: clinical testing. Allele origin: germline.

CeGaT Center for Human Genetics Tuebingen
Classification: Likely benign. Last evaluated: 2025-12-01. Review status: criteria provided, single submitter. Criteria: CeGaT Center For Human Genetics Tuebingen Variant Classification Criteria Version 2. Collection method: clinical testing. Allele origin: germline. Affected: yes. Observed: 1 variant allele.
Comment: SH3PXD2B: BP4, BP7

Eurofins Ntd Llc (ga)
Classification: Uncertain significance. Last evaluated: 2014-11-03. Review status: criteria provided, single submitter. Criteria: EGL Classification Definitions 2015. Collection method: clinical testing. Allele origin: germline. Observed: 1 variant allele, 1 heterozygote.

NM_001017995.3(SH3PXD2B):c.1422G>A (p.Pro474=)

Gene: SH3PXD2B (SH3 and PX domains 2B; minus strand). Cytogenetic location: 5q35.1.
Variant type: single nucleotide variant.
Coding change: c.1422G>A on transcript NM_001017995.3 (MANE Select); coding-DNA position 1422, G replaced by A.
Protein change: p.Pro474=; no amino-acid change (proline 474 retained).
Molecular consequence: synonymous variant. On other transcripts: intron variant (1).
Genome position (GRCh38, 1-based): chr5:172,339,683, C>T on the plus strand (G>A on the coding strand, the complement: SH3PXD2B is on the minus strand). VCF-style: chr5-172339683-C-T. GRCh37 (hg19) VCF-style: chr5-171766687-C-T.
Other names: c.1188+6453G>A (NM_001308175.2).
Identifiers: ClinVar variation 194188 (VCV000194188.17), dbSNP rs199727236, ClinGen allele CA240042.
Genomic context (GRCh38, chr5:172,339,683, plus strand): 5'-GACATCCTTACTGCCCTTCCAGTCTTTAGACCATGGCAACCCCGAGTCCATGACACCATG[C>T]GGTGCGTCAGGCAGGGGCCGGGAGGGGCCCGTGGCTTCGCTGCCCGTGTTGTTCTCCAGC-3'
Protein context (NP_001017995.1, residues 464-484): TGPSRPLPDA[Pro474=]HGVMDSGLPW